The following is an entry in ClinVar:

NM_024665.7(TBL1XR1):c.130G>A (p.Val44Ile)

Gene: TBL1XR1 (TBL1X/Y related 1; minus strand). Cytogenetic location: 3q26.32.
Variant type: single nucleotide variant.
Coding change: c.130G>A on transcript NM_024665.7 (MANE Select); coding-DNA position 130, G replaced by A.
Protein change: p.Val44Ile; replaces valine 44 with isoleucine.
Molecular consequence: missense variant. On other transcripts: 5 prime UTR variant (2).
Genome position (GRCh38, 1-based): chr3:177,053,847, C>T on the plus strand (G>A on the coding strand, the complement: TBL1XR1 is on the minus strand). VCF-style: chr3-177053847-C-T. GRCh37 (hg19) VCF-style: chr3-176771635-C-T.
Other names: c.130G>A, p.Val44Ile (NM_001321193.3, NM_001321194.3, NM_001374327.1 and 2 more transcripts); c.-132G>A (NM_001321195.3, NM_001374330.1); short protein forms V44I.
Identifiers: ClinVar variation 521844 (VCV000521844.15), dbSNP rs1553817638, ClinGen allele CA355553694.

ClinVar aggregate classification (germline): Uncertain significance. Review status: criteria provided, multiple submitters, no conflicts (2 of 4 stars). 4 submissions from 4 submitters: Uncertain significance (4). Last evaluated 2025-03-26.

Conditions:
Pierpont syndrome (PRPTS). Identifiers: Orphanet 487825, MedGen C1865644, MONDO:0011213, OMIM 602342.
Inborn genetic diseases. Identifiers: MedGen C0950123, MeSH D030342.

Allele frequency attached by ClinVar (database versions not stated): gnomAD exomes below 0.00001.

Submissions (4):

Women's Health and Genetics/Laboratory Corporation of America, LabCorp
Classification: Uncertain significance. Last evaluated: 2025-03-26. Review status: criteria provided, single submitter. Criteria: LabCorp Variant Classification Summary - May 2015. Collection method: clinical testing. Allele origin: germline.
Comment: Variant summary: TBL1XR1 c.130G>A (p.Val44Ile) results in a conservative amino acid change in the encoded protein sequence. Three of five in-silico tools predict a benign effect of the variant on protein function. The variant was absent in 248974 control chromosomes. The available data on variant occurrences in the general population are insufficient to allow any conclusion about variant significance. To our knowledge, no occurrence of c.130G>A in individuals affected with Intellectual Disability, Autosomal Dominant 41 and no experimental evidence demonstrating its impact on protein function have been reported. ClinVar contains an entry for this variant (Variation ID: 521844). Based on the evidence outlined above, the variant was classified as uncertain significance.

Labcorp Genetics (formerly Invitae), Labcorp
Classification: Uncertain significance for Pierpont syndrome. Last evaluated: 2022-11-23. Review status: criteria provided, single submitter. Criteria: Invitae Variant Classification Sherloc (09022015). Collection method: clinical testing. Allele origin: germline.
Comment: This sequence change replaces valine, which is neutral and non-polar, with isoleucine, which is neutral and non-polar, at codon 44 of the TBL1XR1 protein (p.Val44Ile). This variant is not present in population databases (gnomAD no frequency). This variant has not been reported in the literature in individuals affected with TBL1XR1-related conditions. ClinVar contains an entry for this variant (Variation ID: 521844). Algorithms developed to predict the effect of missense changes on protein structure and function (SIFT, PolyPhen-2, Align-GVGD) all suggest that this variant is likely to be tolerated. In summary, the available evidence is currently insufficient to determine the role of this variant in disease. Therefore, it has been classified as a Variant of Uncertain Significance.

Blueprint Genetics
Classification: Uncertain significance. Last evaluated: 2020-03-18. Review status: criteria provided, single submitter. Criteria: ACMG Guidelines, 2015. Collection method: clinical testing. Allele origin: germline.

Ambry Genetics
Classification: Uncertain significance for Inborn genetic diseases. Last evaluated: 2017-05-30. Review status: criteria provided, single submitter. Criteria: Ambry exome assertion method (8-5-2015). Collection method: clinical testing. Allele origin: germline. Affected: yes. Observed: 1 variant allele.